The following is an entry in ClinVar:

NM_002972.4(SBF1):c.5604T>C (p.Val1868=)

Gene: SBF1 (SET binding factor 1; minus strand). Cytogenetic location: 22q13.33.
Variant type: single nucleotide variant.
Coding change: c.5604T>C on transcript NM_002972.4 (MANE Select); coding-DNA position 5604, T replaced by C.
Protein change: p.Val1868=; no amino-acid change (valine 1868 retained).
Molecular consequence: synonymous variant.
Genome position (GRCh38, 1-based): chr22:50,447,220, A>G on the plus strand (T>C on the coding strand, the complement: SBF1 is on the minus strand). VCF-style: chr22-50447220-A-G. GRCh37 (hg19) VCF-style: chr22-50885649-A-G.
Other names: p.Val1868=; c.5529T>C, p.Val1843= (NM_001365819.1).
Identifiers: ClinVar variation 789362 (VCV000789362.67), dbSNP rs141053122, ClinGen allele CA10315747.

ClinVar aggregate classification (germline): Benign/Likely benign. Review status: criteria provided, multiple submitters, no conflicts (2 of 4 stars). 10 submissions from 10 submitters: Benign (3); Likely benign (5). 2 of the submissions do not count toward it. Last evaluated 2026-08-01.

Conditions:
Charcot-Marie-Tooth disease type 4B3. Also called: CHARCOT-MARIE-TOOTH DISEASE, DEMYELINATING, TYPE 4B3; Charcot-Marie-Tooth Neuropathy Type 4B3. Identifiers: Orphanet 363981, MedGen C3695063, MONDO:0014117, OMIM 615284.

Allele frequency attached by ClinVar (database versions not stated): 1000 Genomes Project 30x 0.00125; 1000 Genomes Project 0.00160; TOPMed 0.00307; gnomAD 0.00332; ESP Exome Variant Server 0.00421.
gnomAD v4.1: 7,840 of 1,613,934 alleles (0.49%); highest among the groups gnomAD compares: Non-Finnish European, 0.58%; 19 homozygotes.

Submissions (10):

CeGaT Center for Human Genetics Tuebingen
Classification: Likely benign. Last evaluated: 2026-08-01. Review status: criteria provided, single submitter. Criteria: CeGaT Center For Human Genetics Tuebingen Variant Classification Criteria Version 2. Collection method: clinical testing. Allele origin: germline. Affected: yes. Observed: 27 variant alleles.
Comment: SBF1: BP4, BP7, BS2

Labcorp Genetics (formerly Invitae), Labcorp
Classification: Benign. Last evaluated: 2026-02-02. Review status: criteria provided, single submitter. Criteria: Invitae Variant Classification Sherloc (09022015). Collection method: clinical testing. Allele origin: germline.

Blueprint Genetics
Classification: Likely benign. Last evaluated: 2024-11-13. Review status: criteria provided, single submitter. Criteria: ACMG Guidelines, 2015. Collection method: clinical testing. Allele origin: germline.

Mayo Clinic Laboratories, Mayo Clinic
Classification: Benign. Last evaluated: 2024-02-19. Review status: criteria provided, single submitter. Criteria: ACMG Guidelines, 2015. Collection method: clinical testing. Allele origin: germline. Observed: 18 variant alleles.
Comment: BS1, BS2, BP4, BP7

ARUP Laboratories, Molecular Genetics and Genomics, ARUP Laboratories
Classification: Benign for Charcot-Marie-Tooth disease type 4B3. Last evaluated: 2023-10-13. Review status: criteria provided, single submitter. Criteria: ARUP Molecular Germline Variant Investigation Process 2024. Collection method: clinical testing. Allele origin: germline.

Fulgent Genetics
Classification: Likely benign for Charcot-Marie-Tooth disease type 4B3. Last evaluated: 2021-08-31. Review status: criteria provided, single submitter. Criteria: ACMG Guidelines, 2015. Collection method: clinical testing. Allele origin: unknown.

GeneDx
Classification: Likely benign. Last evaluated: 2021-02-25. Review status: criteria provided, single submitter. Criteria: GeneDx Variant Classification Process June 2021. Collection method: clinical testing. Allele origin: germline. Affected: yes.

Breakthrough Genomics
Classification: Likely benign. Review status: criteria provided, single submitter. Criteria: ACMG Guidelines, 2015. Collection method: not provided. Allele origin: germline. Inheritance: Autosomal recessive inheritance. Affected: yes.

Clinical Genetics, Academic Medical Center
Classification: Benign. Review status: no assertion criteria provided. Collection method: clinical testing. Allele origin: germline. Affected: yes. Study: VKGL Data-share Consensus. Not counted in ClinVar's aggregate classification.

Genome Diagnostics Laboratory, University Medical Center Utrecht
Classification: Benign. Review status: no assertion criteria provided. Collection method: clinical testing. Allele origin: germline. Affected: yes. Study: VKGL Data-share Consensus. Not counted in ClinVar's aggregate classification.